The following is an entry in ClinVar:

NM_001849.4(COL6A2):c.697C>T (p.Arg233Cys)

Gene: COL6A2 (collagen type VI alpha 2 chain; plus strand). Cytogenetic location: 21q22.3.
Variant type: single nucleotide variant.
Coding change: c.697C>T on transcript NM_001849.4 (MANE Select); coding-DNA position 697, C replaced by T.
Protein change: p.Arg233Cys; replaces arginine 233 with cysteine.
Molecular consequence: missense variant.
Genome position (GRCh38, 1-based): chr21:46,112,560, C>T. VCF-style: chr21-46112560-C-T. GRCh37 (hg19) VCF-style: chr21-47532474-C-T.
Other names: c.697C>T, p.Arg233Cys (NM_058174.3, NM_058175.3); short protein forms R233C.
Identifiers: ClinVar variation 542969 (VCV000542969.12), dbSNP rs1379543505, ClinGen allele CA410523172.

ClinVar aggregate classification (germline): Uncertain significance. Review status: criteria provided, multiple submitters, no conflicts (2 of 4 stars). 2 submissions from 2 submitters: Uncertain significance (2). Last evaluated 2025-08-28.

Conditions:
Bethlem myopathy 1A. Also called: MYOPATHY, BENIGN CONGENITAL, WITH CONTRACTURES; Bethlem Muscular Dystrophy; Bethlem myopathy 1. Identifiers: Orphanet 610, MedGen CN029274, MONDO:0024530, OMIM 158810.
Inborn genetic diseases. Identifiers: MedGen C0950123, MeSH D030342.

Allele frequency attached by ClinVar (database versions not stated): gnomAD 0.00001; gnomAD exomes 0.00001; TOPMed 0.00001.
gnomAD v4.1: 22 of 1,612,110 alleles (0.0014%); highest among the groups gnomAD compares: Non-Finnish European, 0.0019%; no homozygotes.

Submissions (2):

Ambry Genetics
Classification: Uncertain significance for Inborn genetic diseases. Last evaluated: 2025-08-28. Review status: criteria provided, single submitter. Criteria: Ambry Variant Classification Scheme 2023. Collection method: clinical testing. Allele origin: germline.

Labcorp Genetics (formerly Invitae), Labcorp
Classification: Uncertain significance for Bethlem myopathy 1A. Last evaluated: 2025-01-29. Review status: criteria provided, single submitter. Criteria: Invitae Variant Classification Sherloc (09022015). Collection method: clinical testing. Allele origin: germline.
Comment: This sequence change replaces arginine, which is basic and polar, with cysteine, which is neutral and slightly polar, at codon 233 of the COL6A2 protein (p.Arg233Cys). This variant is present in population databases (no rsID available, gnomAD 0.007%). This variant has not been reported in the literature in individuals affected with COL6A2-related conditions. ClinVar contains an entry for this variant (Variation ID: 542969). Invitae Evidence Modeling of protein sequence and biophysical properties (such as structural, functional, and spatial information, amino acid conservation, physicochemical variation, residue mobility, and thermodynamic stability) indicates that this missense variant is expected to disrupt COL6A2 protein function with a positive predictive value of 80%. In summary, the available evidence is currently insufficient to determine the role of this variant in disease. Therefore, it has been classified as a Variant of Uncertain Significance.